The following is an entry in ClinVar:

NM_000875.5(IGF1R):c.953+3C>T

Gene: IGF1R (insulin like growth factor 1 receptor; plus strand). Cytogenetic location: 15q26.3.
Variant type: single nucleotide variant.
Coding change: c.953+3C>T on transcript NM_000875.5 (MANE Select); 3 bases into the intron after coding-DNA position 953, C replaced by T.
Molecular consequence: intron variant.
Genome position (GRCh38, 1-based): chr15:98,891,640, C>T. VCF-style: chr15-98891640-C-T. GRCh37 (hg19) VCF-style: chr15-99434869-C-T.
Other names: c.953+3C>T (NM_001291858.2).
Identifiers: ClinVar variation 3688229 (VCV003688229.2).

ClinVar aggregate classification (germline): Uncertain significance (1 of 4 stars; one submission).

Submission:

Labcorp Genetics (formerly Invitae), Labcorp
Classification: Uncertain significance. Last evaluated: 2024-06-25. Review status: criteria provided, single submitter. Criteria: Invitae Variant Classification Sherloc (09022015). Collection method: clinical testing. Allele origin: germline.
Comment: This sequence change falls in intron 3 of the IGF1R gene. It does not directly change the encoded amino acid sequence of the IGF1R protein. It affects a nucleotide within the consensus splice site. This variant is not present in population databases (gnomAD no frequency). This variant has not been reported in the literature in individuals affected with IGF1R-related conditions. Variants that disrupt the consensus splice site are a relatively common cause of aberrant splicing (PMID: 17576681, 9536098). Algorithms developed to predict the effect of sequence changes on RNA splicing suggest that this variant is not likely to affect RNA splicing. In summary, the available evidence is currently insufficient to determine the role of this variant in disease. Therefore, it has been classified as a Variant of Uncertain Significance.

Literature cited by the submitters: PubMed 17576681; PubMed 9536098.